The following is an entry in ClinVar:

ClinVar aggregate classification (germline): Pathogenic. Review status: criteria provided, multiple submitters, no conflicts (2 of 4 stars). 2 submissions from 2 submitters: Pathogenic (2). Last evaluated 2022-02-02.

Conditions:
Renal cysts and diabetes syndrome (RCAD). Also called: Familial hypoplastic, glomerulocystic kidney; MATURITY-ONSET DIABETES OF THE YOUNG, TYPE 5. Identifiers: Orphanet 93111, MedGen C0431693, MONDO:0007669, OMIM 137920.

Submissions (2):

Victorian Clinical Genetics Services, Murdoch Childrens Research Institute
Classification: Pathogenic for Renal cysts and diabetes syndrome. Last evaluated: 2022-02-02. Review status: criteria provided, single submitter. Criteria: ACMG Guidelines, 2015. Collection method: clinical testing. Allele origin: germline. Inheritance: Autosomal dominant inheritance.
Comment: Based on the classification scheme VCGS_Germline_v1.3.4, this variant is classified as Pathogenic. Following criteria are met: 0103 - Dominant negative, loss of function, and gain of function are all reported mechanisms of disease in this gene and are associated with type 2 diabetes mellitus (MIM#125853) and renal cysts and diabetes syndrome (MIM#137920; OMIM, PMID: 25536396, 11845238, 15509593). (I) 0107 - This gene is associated with autosomal dominant disease. (I) 0115 - Variants in this gene are known to have variable expressivity. There is significant inter- and intrafamilial variability of HNF1B nephropathy (PMID: 33305128). (I) 0201 - Variant is predicted to cause nonsense-mediated decay (NMD) and loss of protein (premature termination codon is located at least 54 nucleotides upstream of the final exon-exon junction). (SP) 0251 - This variant is heterozygous. (I) 0301 - Variant is absent from gnomAD (both v2 and v3). (SP) 0701 - Other variants predicted to result in NMD comparable to the one identified in this case have very strong previous evidence for pathogenicity (DECIPHER). (SP) 0803 - This variant has limited previous evidence of pathogenicity. It was detected in an individual with renal cysts by Centre Hospitalier Universitaire de Limoges (LOVD). (I) Legend: (SP) - Supporting pathogenic, (I) - Information, (SB) - Supporting benign

Molecular Genetics, Royal Melbourne Hospital
Classification: Pathogenic for Renal cysts and diabetes syndrome. Last evaluated: 2021-07-02. Review status: criteria provided, single submitter. Criteria: ACMG Guidelines, 2015. Collection method: clinical testing. Allele origin: germline. Affected: yes.
Comment: This sequence change is a deletion of 1 bp in exon 3 (of 9) of HNF1B that is predicted to create a premature termination codon at position 264 (p.(Ser210Valfs*55)). It is expected to result in nonsense mediated decay in a gene where loss of function is an established mechanism of disease (ClinGen). The variant is absent in a large population cohort (gnomAD v2.1 and v3.1). It has been identified in at least two individuals with renal cysts (LOVD, Royal Melbourne Hospital). Based on the classification scheme RMH Modified ACMG Guidelines v1.4.0, this variant is classified as PATHOGENIC. Following criteria are met: PVS1, PS4_Supporting, PM2_Supporting.

Literature cited by the submitters: PubMed 11845238 (cited by Victorian Clinical Genetics Services, Murdoch Childrens Research Institute); PubMed 15509593 (cited by Victorian Clinical Genetics Services, Murdoch Childrens Research Institute); PubMed 25536396 (cited by Victorian Clinical Genetics Services, Murdoch Childrens Research Institute); PubMed 33305128 (cited by Victorian Clinical Genetics Services, Murdoch Childrens Research Institute).

NM_000458.4(HNF1B):c.628del (p.Ser210fs)

Genes: HNF1B (HNF1 homeobox B; minus strand), LOC126862549 (BRD4-independent group 4 enhancer GRCh37_chr17:36093401-36094600; plus strand). Cytogenetic location: 17q12.
Variant type: Deletion.
Coding change: c.628del on transcript NM_000458.4 (MANE Select); coding-DNA position 628, one base deleted (A; older notation c.628delA).
Protein change: p.Ser210fs; shifts the reading frame from serine 210.
Molecular consequence: frameshift variant.
Genome position (GRCh38, 1-based): chr17:37,733,738, T deleted on the plus strand (A on the coding strand, the reverse complement: HNF1B is on the minus strand). VCF-style (leftmost placement, unchanged base first): chr17-37733737-CT-C. GRCh37 (hg19) VCF-style: chr17-36093730-CT-C.
Other names: c.550del, p.Ser184fs (NM_001165923.4, NM_001304286.2); c.628delA (NM_000458.4); short protein forms S184fs, S210fs.
Identifiers: ClinVar variation 1676229 (VCV001676229.3), dbSNP rs2147553490, ClinGen allele CA1630597727.